The following is an entry in ClinVar:

ClinVar aggregate classification (germline): Pathogenic (1 of 4 stars; one submission).

Conditions:
Vici syndrome (VICIS). Identifiers: Orphanet 1493, MedGen C1855772, MONDO:0009452, OMIM 242840.

Submission:

Labcorp Genetics (formerly Invitae), Labcorp
Classification: Pathogenic for Vici syndrome. Last evaluated: 2023-07-28. Review status: criteria provided, single submitter. Criteria: Invitae Variant Classification Sherloc (09022015). Collection method: clinical testing. Allele origin: germline.
Comment: This sequence change creates a premature translational stop signal (p.His664Leufs*26) in the EPG5 gene. It is expected to result in an absent or disrupted protein product. Loss-of-function variants in EPG5 are known to be pathogenic (PMID: 23222957, 23674064). For these reasons, this variant has been classified as Pathogenic. This variant has not been reported in the literature in individuals affected with EPG5-related conditions. This variant is not present in population databases (gnomAD no frequency).

Literature cited by the submitters: PubMed 23222957; PubMed 23674064.

NM_020964.3(EPG5):c.1991del (p.His664fs)

Gene: EPG5 (ectopic P-granules 5 autophagy tethering factor; minus strand). Cytogenetic location: 18q21.1.
Variant type: Deletion.
Coding change: c.1991del on transcript NM_020964.3 (MANE Select); coding-DNA position 1991, one base deleted (A; older notation c.1991delA).
Protein change: p.His664fs; shifts the reading frame from histidine 664.
Molecular consequence: frameshift variant.
Genome position (GRCh38, 1-based): chr18:45,939,708, T deleted on the plus strand (A on the coding strand, the reverse complement: EPG5 is on the minus strand). VCF-style (leftmost placement, unchanged base first): chr18-45939707-AT-A. GRCh37 (hg19) VCF-style: chr18-43519673-AT-A.
Other names: c.1991del, p.His664fs (NM_001410858.1, NM_001410859.1); short protein forms H664fs.
Identifiers: ClinVar variation 2776462 (VCV002776462.3), dbSNP rs2511991321, ClinGen allele CA2739268694.